The following is an entry in ClinVar:

NM_002470.4(MYH3):c.3509C>A (p.Ala1170Glu)

Gene: MYH3 (myosin heavy chain 3; minus strand). Cytogenetic location: 17p13.1.
Variant type: single nucleotide variant.
Coding change: c.3509C>A on transcript NM_002470.4 (MANE Select); coding-DNA position 3509, C replaced by A.
Protein change: p.Ala1170Glu; replaces alanine 1170 with glutamic acid.
Molecular consequence: missense variant.
Genome position (GRCh38, 1-based): chr17:10,638,263, G>T on the plus strand (C>A on the coding strand, the complement: MYH3 is on the minus strand). VCF-style: chr17-10638263-G-T. GRCh37 (hg19) VCF-style: chr17-10541580-G-T.
Other names: short protein forms A1170E.
Identifiers: ClinVar variation 321737 (VCV000321737.9), dbSNP rs373367650, ClinGen allele CA8392491.

ClinVar aggregate classification (germline): Benign/Likely benign. Review status: criteria provided, multiple submitters, no conflicts (2 of 4 stars). 3 submissions from 2 submitters: Benign (1); Likely benign (2). Last evaluated 2025-12-01.

Conditions:
Freeman-Sheldon syndrome (DA2A). Also called: CRANIOCARPOTARSAL DYSPLASIA; CRANIOCARPOTARSAL DYSTROPHY; WHISTLING FACE-WINDMILL VANE HAND SYNDROME; Arthrogryposis, distal, type 2A (Freeman-Sheldon). Identifiers: Orphanet 2053, MedGen C0265224, MONDO:0008675, OMIM 193700.
Distal arthrogryposis type 2B1 (DA2B1). Also called: Arthrogryposis multiplex congenita distal type II with craniofacial abnormalities. Identifiers: Orphanet 1147, MedGen C5193014, MONDO:0020820, OMIM 601680.

Allele frequency attached by ClinVar (database versions not stated): 1000 Genomes Project 30x 0.00031; 1000 Genomes Project 0.00040.
gnomAD v4.1: 128 of 1,613,802 alleles (0.0079%); highest among the groups gnomAD compares: South Asian, 0.12%; no homozygotes.

Submissions (3):

Labcorp Genetics (formerly Invitae), Labcorp
Classification: Likely benign. Last evaluated: 2025-12-01. Review status: criteria provided, single submitter. Criteria: Invitae Variant Classification Sherloc (09022015). Collection method: clinical testing. Allele origin: germline.

Illumina Laboratory Services, Illumina
Classification: Likely benign for Distal arthrogryposis type 2B1. Last evaluated: 2018-01-13. Review status: criteria provided, single submitter. Criteria: ICSL Variant Classification Criteria 13 December 2019. Collection method: clinical testing. Allele origin: germline.
Comment: This variant was observed in the ICSL laboratory as part of a predisposition screen in an ostensibly healthy population. It had not been previously curated by ICSL or reported in the Human Gene Mutation Database (HGMD: prior to June 1st, 2018), and was therefore a candidate for classification through an automated scoring system. Utilizing variant allele frequency, disease prevalence and penetrance estimates, and inheritance mode, an automated score was calculated to assess if this variant is too frequent to cause the disease. Based on the score and internal cut-off values, a variant classified as likely benign is not then subjected to further curation. The score for this variant resulted in a classification of likely benign for this disease.

Illumina Laboratory Services, Illumina
Classification: Benign for Freeman-Sheldon syndrome. Last evaluated: 2018-01-13. Review status: criteria provided, single submitter. Criteria: ICSL Variant Classification Criteria 13 December 2019. Collection method: clinical testing. Allele origin: germline.
Comment: This variant was observed in the ICSL laboratory as part of a predisposition screen in an ostensibly healthy population. It had not been previously curated by ICSL or reported in the Human Gene Mutation Database (HGMD: prior to June 1st, 2018), and was therefore a candidate for classification through an automated scoring system. Utilizing variant allele frequency, disease prevalence and penetrance estimates, and inheritance mode, an automated score was calculated to assess if this variant is too frequent to cause the disease. Based on the score and internal cut-off values, a variant classified as benign is not then subjected to further curation. The score for this variant resulted in a classification of benign for this disease.